The following is an entry in ClinVar:

ClinVar aggregate classification (germline): Uncertain significance. Review status: criteria provided, multiple submitters, no conflicts (2 of 4 stars). 2 submissions from 2 submitters: Uncertain significance (2). Last evaluated 2025-04-17.

Conditions:
Hereditary cancer-predisposing syndrome. Also called: Neoplastic Syndromes, Hereditary; Tumor predisposition; Hereditary neoplastic syndrome; Hereditary Cancer Syndrome. Identifiers: Orphanet 140162, MedGen C0027672, MeSH D009386, MONDO:0015356.
POLD1-related polyposis and colorectal cancer syndrome (CRCS10). Also called: COLORECTAL CANCER, SUSCEPTIBILITY TO, ON CHROMOSOME 19q; Colorectal cancer 10; Colorectal cancer, susceptibility to, 10. Identifiers: Orphanet 220460, MedGen C2675481, MONDO:0012953, OMIM 612591.

Submissions (2):

Labcorp Genetics (formerly Invitae), Labcorp
Classification: Uncertain significance for POLD1-related polyposis and colorectal cancer syndrome. Last evaluated: 2025-04-17. Review status: criteria provided, single submitter. Criteria: Invitae Variant Classification Sherloc (09022015). Collection method: clinical testing. Allele origin: germline.
Comment: This sequence change replaces alanine, which is neutral and non-polar, with serine, which is neutral and polar, at codon 186 of the POLD1 protein (p.Ala186Ser). This variant is not present in population databases (gnomAD no frequency). This variant has not been reported in the literature in individuals affected with POLD1-related conditions. ClinVar contains an entry for this variant (Variation ID: 1748364). Invitae Evidence Modeling of protein sequence and biophysical properties (such as structural, functional, and spatial information, amino acid conservation, physicochemical variation, residue mobility, and thermodynamic stability) indicates that this missense variant is not expected to disrupt POLD1 protein function with a negative predictive value of 80%. In summary, the available evidence is currently insufficient to determine the role of this variant in disease. Therefore, it has been classified as a Variant of Uncertain Significance.

Ambry Genetics
Classification: Uncertain significance for Hereditary cancer-predisposing syndrome. Last evaluated: 2022-03-19. Review status: criteria provided, single submitter. Criteria: Ambry Variant Classification Scheme 2023. Collection method: clinical testing. Allele origin: germline.
Comment: The p.A186S variant (also known as c.556G>T), located in coding exon 4 of the POLD1 gene, results from a G to T substitution at nucleotide position 556. The alanine at codon 186 is replaced by serine, an amino acid with similar properties. This amino acid position is conserved. In addition, this alteration is predicted to be tolerated by in silico analysis. Since supporting evidence is limited at this time, the clinical significance of this alteration remains unclear.

NM_002691.4(POLD1):c.556G>T (p.Ala186Ser)

Gene: POLD1 (DNA polymerase delta 1, catalytic subunit; plus strand). Cytogenetic location: 19q13.33.
Variant type: single nucleotide variant.
Coding change: c.556G>T on transcript NM_002691.4 (MANE Select); coding-DNA position 556, G replaced by T.
Protein change: p.Ala186Ser; replaces alanine 186 with serine.
Molecular consequence: missense variant. On other transcripts: non-coding transcript variant (1).
Genome position (GRCh38, 1-based): chr19:50,402,091, G>T. VCF-style: chr19-50402091-G-T. GRCh37 (hg19) VCF-style: chr19-50905348-G-T.
Other names: c.556G>T, p.Ala186Ser (NM_001256849.1, NM_001308632.1); short protein forms A186S.
Identifiers: ClinVar variation 1748364 (VCV001748364.5), dbSNP rs1298088600, ClinGen allele CA406973338.